The following is an entry in ClinVar:

ClinVar aggregate classification (germline): Uncertain significance (1 of 4 stars; one submission).

Submission:

Labcorp Genetics (formerly Invitae), Labcorp
Classification: Uncertain significance. Last evaluated: 2022-11-15. Review status: criteria provided, single submitter. Criteria: Invitae Variant Classification Sherloc (09022015). Collection method: clinical testing. Allele origin: germline.
Comment: Algorithms developed to predict the effect of missense changes on protein structure and function (SIFT, PolyPhen-2, Align-GVGD) all suggest that this variant is likely to be disruptive. This variant has not been reported in the literature in individuals affected with LAMB1-related conditions. This variant is not present in population databases (gnomAD no frequency). This sequence change replaces cysteine, which is neutral and slightly polar, with phenylalanine, which is neutral and non-polar, at codon 1406 of the LAMB1 protein (p.Cys1406Phe). In summary, the available evidence is currently insufficient to determine the role of this variant in disease. Therefore, it has been classified as a Variant of Uncertain Significance.

NM_002291.3(LAMB1):c.4217G>T (p.Cys1406Phe)

Gene: LAMB1 (laminin subunit beta 1; minus strand). Cytogenetic location: 7q31.1.
Variant type: single nucleotide variant.
Coding change: c.4217G>T on transcript NM_002291.3 (MANE Select); coding-DNA position 4217, G replaced by T.
Protein change: p.Cys1406Phe; replaces cysteine 1406 with phenylalanine.
Molecular consequence: missense variant.
Genome position (GRCh38, 1-based): chr7:107,932,349, C>A on the plus strand (G>T on the coding strand, the complement: LAMB1 is on the minus strand). VCF-style: chr7-107932349-C-A. GRCh37 (hg19) VCF-style: chr7-107572794-C-A.
Other names: short protein forms C1406F.
Identifiers: ClinVar variation 2015492 (VCV002015492.4), dbSNP rs565504939, ClinGen allele CA368864973.